The following is an entry in ClinVar:

ClinVar aggregate classification (germline): Uncertain significance (1 of 4 stars; one submission).

Conditions:
Epileptic encephalopathy. Identifiers: MedGen C0543888, HP:0200134.

Allele frequency attached by ClinVar (database versions not stated): TOPMed 0.00001; gnomAD 0.00003.
gnomAD v4.1: 15 of 1,567,352 alleles (0.00096%); highest among the groups gnomAD compares: Non-Finnish European, 0.0013%; no homozygotes.

Submission:

Labcorp Genetics (formerly Invitae), Labcorp
Classification: Uncertain significance for Epileptic encephalopathy. Last evaluated: 2021-02-24. Review status: criteria provided, single submitter. Criteria: Invitae Variant Classification Sherloc (09022015). Collection method: clinical testing. Allele origin: germline.
Comment: In summary, the available evidence is currently insufficient to determine the role of this variant in disease. Therefore, it has been classified as a Variant of Uncertain Significance. Algorithms developed to predict the effect of sequence changes on RNA splicing suggest that this variant may create or strengthen a splice site, but this prediction has not been confirmed by published transcriptional studies. Algorithms developed to predict the effect of missense changes on protein structure and function do not agree on the potential impact of this missense change (SIFT: "Deleterious"; PolyPhen-2: "Probably Damaging"; Align-GVGD: "Class C0"). This variant has not been reported in the literature in individuals with RYR3-related disease. This variant is present in population databases (rs567024433, ExAC 0.007%). This sequence change replaces asparagine with lysine at codon 4620 of the RYR3 protein (p.Asn4620Lys). The asparagine residue is highly conserved and there is a moderate physicochemical difference between asparagine and lysine.

NM_001036.6(RYR3):c.13860C>G (p.Asn4620Lys)

Genes: AVEN (apoptosis and caspase activation inhibitor; minus strand), RYR3 (ryanodine receptor 3; plus strand). Cytogenetic location: 15q14.
Variant type: single nucleotide variant.
Coding change: c.13860C>G on transcript NM_001036.6 (MANE Select); coding-DNA position 13860, C replaced by G.
Protein change: p.Asn4620Lys; replaces asparagine 4620 with lysine.
Molecular consequence: missense variant.
Genome position (GRCh38, 1-based): chr15:33,854,449, C>G. VCF-style: chr15-33854449-C-G. GRCh37 (hg19) VCF-style: chr15-34146650-C-G.
Other names: c.13845C>G, p.Asn4615Lys (NM_001243996.4); short protein forms N4620K, N4615K.
Identifiers: ClinVar variation 568327 (VCV000568327.6), dbSNP rs567024433, ClinGen allele CA7461796.
Genomic context (GRCh38, chr15:33,854,449, plus strand): 5'-GCTAAGTTCCATAGACATGAAGTACCATATCTGGAAGCTTGGAGTTGTTTTTACTGACAA[C>G]GTAAGTACTGCACCTGGAAAAACAAAATTCTATACCCCAGTTCAGGGATGCCACAGAGAA-3'
Protein context (NP_001027.3, residues 4610-4630): IWKLGVVFTD[Asn4620Lys]SFLYLAWYTT